The following is an entry in ClinVar:

NM_001199397.3(NEK1):c.2352T>A (p.Asp784Glu)

Gene: NEK1 (NIMA related kinase 1; minus strand). Cytogenetic location: 4q33.
Variant type: single nucleotide variant.
Coding change: c.2352T>A on transcript NM_001199397.3 (MANE Select); coding-DNA position 2352, T replaced by A.
Protein change: p.Asp784Glu; replaces aspartic acid 784 with glutamic acid.
Molecular consequence: missense variant. On other transcripts: non-coding transcript variant (1).
Genome position (GRCh38, 1-based): chr4:169,477,206, A>T on the plus strand (T>A on the coding strand, the complement: NEK1 is on the minus strand). VCF-style: chr4-169477206-A-T. GRCh37 (hg19) VCF-style: chr4-170398357-A-T.
Other names: c.2220T>A, p.Asp740Glu (NM_001199398.3, NM_001440622.1); c.2061T>A, p.Asp687Glu (NM_001199399.3); c.2136T>A, p.Asp712Glu (NM_001199400.3, NM_001440623.1); c.2352T>A, p.Asp784Glu (NM_001374418.1, NM_001440620.1); c.2268T>A, p.Asp756Glu (NM_001374419.1, NM_001440621.1, NM_012224.4); c.2217T>A, p.Asp739Glu (NM_001374420.1); c.2046T>A, p.Asp682Glu (NM_001374421.1); c.1647T>A, p.Asp549Glu (NM_001440624.1); and 1 more; short protein forms D505E, D712E, D740E, D682E, D687E, D549E, D784E, D739E.
Identifiers: ClinVar variation 4996418 (VCV004996418.1).
Genomic context (GRCh38, chr4:169,477,206, plus strand): 5'-ATCTAGTGTTAACTCATCCAGAGGAATCACAAGTTGACCTCCTGCCTCCCACTTCTTGCG[A>T]TCAGATGAAACTGATTTTTCTTTTTCATGCTCTTTGGCATCTTCATGAACATTTATCTCA-3'
Protein context (NP_001186326.1, residues 774-794): EHEKEKSVSS[Asp784Glu]RKKWEAGGQL

ClinVar aggregate classification (germline): Uncertain significance (1 of 4 stars; one submission).

Conditions:
NEK1-related disorder. Also called: NEK1-related condition.

gnomAD v4.1: 12 of 1,607,780 alleles (0.00075%); highest among the groups gnomAD compares: Non-Finnish European, 0.00093%; no homozygotes.

Submission:

PreventionGenetics, part of Exact Sciences
Classification: Uncertain significance for NEK1-related condition. Last evaluated: 2026-04-18. Review status: criteria provided, single submitter. Criteria: ACMG Guidelines, 2015. Collection method: clinical testing. Allele origin: germline.
Comment: The NEK1 c.2268T>A variant is predicted to result in the amino acid substitution p.Asp756Glu. To our knowledge, this variant has not been reported in the literature or in a large population database (gnomAD), indicating this variant is rare. At this time, the clinical significance of this variant is uncertain due to the absence of conclusive functional and genetic evidence.